The following is an entry in ClinVar:

ClinVar aggregate classification (germline): Likely pathogenic (1 of 4 stars; one submission).

Conditions:
Maple syrup urine disease type 1A (MSUD1A). Also called: MSUD type 1A. Identifiers: MedGen C1855369, MONDO:0023691, OMIM 248600.

Submission:

Natera, Inc.
Classification: Likely pathogenic for Maple syrup urine disease type 1A. Last evaluated: 2025-08-03. Review status: criteria provided, single submitter. Criteria: Natera Variant Classification Schema (03/2026). Collection method: clinical testing. Allele origin: germline.
Comment: The c.646+1G>C variant in BCKDHA is a canonical splice donor site variant predicted to affect pre-mRNA splicing, which may result in an abnormal transcript and altered protein product. This variant is expected to result in nonsense mediated decay, truncation, or a dysfunctional protein product. This variant is rare in the general population with a frequency below the threshold expected for the associated phenotype(s). Given the available evidence, this variant is classified as Likely Pathogenic.

NM_000709.4(BCKDHA):c.646+1G>C

Gene: BCKDHA (branched chain keto acid dehydrogenase E1 subunit alpha; plus strand). Cytogenetic location: 19q13.2.
Variant type: single nucleotide variant.
Coding change: c.646+1G>C on transcript NM_000709.4 (MANE Select); the canonical splice donor site of the intron after coding-DNA position 646, G replaced by C.
Molecular consequence: splice donor variant.
Genome position (GRCh38, 1-based): chr19:41,419,297, G>C. VCF-style: chr19-41419297-G-C. GRCh37 (hg19) VCF-style: chr19-41925202-G-C.
Other names: c.646+1G>C (NM_001164783.2).
Identifiers: ClinVar variation 4814470 (VCV004814470.1).